The following is an entry in ClinVar:

ClinVar aggregate classification (germline): Pathogenic (1 of 4 stars; one submission).

Submission:

Labcorp Genetics (formerly Invitae), Labcorp
Classification: Pathogenic. Last evaluated: 2020-02-19. Review status: criteria provided, single submitter. Criteria: Invitae Variant Classification Sherloc (09022015). Collection method: clinical testing. Allele origin: germline.
Comment: This variant has not been reported in the literature in individuals with LHX3-related conditions. This sequence change creates a premature translational stop signal (p.Gly16*) in the LHX3 gene. It is expected to result in an absent or disrupted protein product. The frequency data for this variant in the population databases is considered unreliable, as metrics indicate insufficient coverage at this position in the ExAC database. Loss-of-function variants in LHX3 are known to be pathogenic (PMID: 16394081, 18407919). For these reasons, this variant has been classified as Pathogenic.

Literature cited by the submitters: PubMed 16394081; PubMed 18407919.

NM_178138.6(LHX3):c.79+1939_79+1940insAT

Gene: LHX3 (LIM homeobox 3; minus strand). Cytogenetic location: 9q34.3.
Variant type: Insertion.
Coding change: c.79+1939_79+1940insAT on transcript NM_178138.6 (MANE Select); bases 1939 to 1940 of the intron after coding-DNA position 79, AT inserted.
Molecular consequence: intron variant. On other transcripts: nonsense (1).
Genome position: GRCh38 VCF-style: chr9-136202994-C-CTA. GRCh37 (hg19) VCF-style: chr9-139094840-C-CTA.
Other names: c.45_46insTA, p.Gly16Ter (NM_014564.5); short protein forms G16*.
Identifiers: ClinVar variation 936489 (VCV000936489.7), dbSNP rs1831682062, ClinGen allele CA1139661338.